The following is an entry in ClinVar:

ClinVar aggregate classification (germline): Benign/Likely benign. Review status: criteria provided, multiple submitters, no conflicts (2 of 4 stars). 8 submissions from 6 submitters: Benign (5); Likely benign (2). 1 of the submissions does not count toward it. Last evaluated 2026-01-27.

Conditions:
SCNN1B-related disorder. Also called: SCNN1B-related condition.
Liddle syndrome 1 (LIDLS1). Also called: PSEUDOALDOSTERONISM. Identifiers: Orphanet 526, MedGen CN031472, MONDO:0020607, OMIM 177200.
Pseudohypoaldosteronism, type IB1, autosomal recessive. Also called: Pseudohypoaldosteronism, Type I, Recessive; PHA I, AUTOSOMAL RECESSIVE; Pseudohypoaldosteronism, Type I, Autosomal Recessive; Autosomal recessive pseudohypoaldosteronism type 1. Identifiers: Orphanet 171876, Orphanet 756, MedGen C5774176, MONDO:0009917, OMIM 264350.
Bronchiectasis with or without elevated sweat chloride 1 (BESC1). Also called: Cystic Fibrosis-Like Syndrome. Identifiers: Orphanet 60033, MedGen C2749757, MONDO:0008887, OMIM 211400.

Allele frequency attached by ClinVar (database versions not stated): ESP Exome Variant Server 0.00023; gnomAD 0.00063 and 0.00080; TOPMed 0.00074; gnomAD exomes 0.00086 and 0.00145; ExAC 0.00139; 1000 Genomes Project 0.00160; 1000 Genomes Project 30x 0.00172.
gnomAD v4.1: 1,467 of 1,612,708 alleles (0.091%); highest among the groups gnomAD compares: East Asian, 0.74%; 6 homozygotes.

Submissions (8):

Labcorp Genetics (formerly Invitae), Labcorp
Classification: Benign. Last evaluated: 2026-01-27. Review status: criteria provided, single submitter. Criteria: Invitae Variant Classification Sherloc (09022015). Collection method: clinical testing. Allele origin: germline.

Athena Diagnostics
Classification: Benign. Last evaluated: 2025-01-14. Review status: criteria provided, single submitter. Criteria: Athena Diagnostics Criteria. Collection method: clinical testing. Allele origin: unknown.
Comment: The frequency of this variant in the general population is higher than would generally be expected for pathogenic variants in this gene. Computational tools yielded predictions that this variant is unlikely to have an effect on normal RNA splicing. This nucleotide position exhibits low evolutionary conservation.

Blueprint Genetics
Classification: Likely benign. Last evaluated: 2024-11-21. Review status: criteria provided, single submitter. Criteria: ACMG Guidelines, 2015. Collection method: clinical testing. Allele origin: germline.

Illumina Laboratory Services, Illumina
Classification: Likely benign for Pseudohypoaldosteronism, type IB1, autosomal recessive. Last evaluated: 2018-01-13. Review status: criteria provided, single submitter. Criteria: ICSL Variant Classification Criteria 13 December 2019. Collection method: clinical testing. Allele origin: germline.
Comment: This variant was observed in the ICSL laboratory as part of a predisposition screen in an ostensibly healthy population. It had not been previously curated by ICSL or reported in the Human Gene Mutation Database (HGMD: prior to June 1st, 2018), and was therefore a candidate for classification through an automated scoring system. Utilizing variant allele frequency, disease prevalence and penetrance estimates, and inheritance mode, an automated score was calculated to assess if this variant is too frequent to cause the disease. Based on the score and internal cut-off values, a variant classified as likely benign is not then subjected to further curation. The score for this variant resulted in a classification of likely benign for this disease.

Illumina Laboratory Services, Illumina
Classification: Benign for Liddle syndrome 1. Last evaluated: 2018-01-13. Review status: criteria provided, single submitter. Criteria: ICSL Variant Classification Criteria 13 December 2019. Collection method: clinical testing. Allele origin: germline.
Comment: This variant was observed in the ICSL laboratory as part of a predisposition screen in an ostensibly healthy population. It had not been previously curated by ICSL or reported in the Human Gene Mutation Database (HGMD: prior to June 1st, 2018), and was therefore a candidate for classification through an automated scoring system. Utilizing variant allele frequency, disease prevalence and penetrance estimates, and inheritance mode, an automated score was calculated to assess if this variant is too frequent to cause the disease. Based on the score and internal cut-off values, a variant classified as benign is not then subjected to further curation. The score for this variant resulted in a classification of benign for this disease.

Illumina Laboratory Services, Illumina
Classification: Benign for Bronchiectasis with or without elevated sweat chloride 1. Last evaluated: 2018-01-13. Review status: criteria provided, single submitter. Criteria: ICSL Variant Classification Criteria 13 December 2019. Collection method: clinical testing. Allele origin: germline.
Comment: the same text as in the submission from Illumina Laboratory Services, Illumina above.

Eurofins Ntd Llc (ga)
Classification: Benign. Last evaluated: 2016-06-23. Review status: criteria provided, single submitter. Criteria: EGL Classification Definitions 2015. Collection method: clinical testing. Allele origin: germline. Observed: 1 variant allele, 1 heterozygote.

PreventionGenetics, part of Exact Sciences
Classification: Benign for SCNN1B-related condition. Last evaluated: 2019-08-12. Review status: no assertion criteria provided. Collection method: clinical testing. Allele origin: germline. Not counted in ClinVar's aggregate classification.
Comment: This variant is classified as benign based on ACMG/AMP sequence variant interpretation guidelines (Richards et al. 2015 PMID: 25741868, with internal and published modifications).

Literature cited by the submitters: PubMed 15198480 (cited by Athena Diagnostics).

NM_000336.3(SCNN1B):c.1782G>A (p.Thr594=)

Gene: SCNN1B (sodium channel epithelial 1 subunit beta; plus strand). Cytogenetic location: 16p12.2.
Variant type: single nucleotide variant.
Coding change: c.1782G>A on transcript NM_000336.3 (MANE Select); coding-DNA position 1782, G replaced by A.
Protein change: p.Thr594=; no amino-acid change (threonine 594 retained).
Molecular consequence: synonymous variant.
Genome position (GRCh38, 1-based): chr16:23,380,660, G>A. VCF-style: chr16-23380660-G-A. GRCh37 (hg19) VCF-style: chr16-23391981-G-A.
Identifiers: ClinVar variation 255867 (VCV000255867.22), dbSNP rs13306628, ClinGen allele CA7960637.
Genomic context (GRCh38, chr16:23,380,660, plus strand): 5'-ACCGCCCACCGTGGCCGAGCTGGTGGAGGCCCACACCAACTTTGGCTTCCAGCCTGACAC[G>A]GCCCCCCGCAGCCCCAACACTGGGCCCTACCCCAGTGAGCAGGCCCTGCCCATCCCAGGC-3'
Protein context (NP_000327.2, residues 584-604): AHTNFGFQPD[Thr594=]APRSPNTGPY